The following is an entry in ClinVar:

ClinVar aggregate classification (germline): Uncertain significance (1 of 4 stars; one submission).

Conditions:
Familial thoracic aortic aneurysm and aortic dissection (TAAD). Also called: Thoracic aortic aneurysms and dissections. Identifiers: Orphanet 91387, MedGen C4707243, MONDO:0019625.

gnomAD v4.1: 1 of 1,613,836 alleles (0.000062%); highest among the groups gnomAD compares: Non-Finnish European, 0.000085%; no homozygotes.

Submission:

Color Diagnostics, LLC DBA Color Health
Classification: Uncertain significance for Familial thoracic aortic aneurysm and aortic dissection. Last evaluated: 2024-01-19. Review status: criteria provided, single submitter. Criteria: ACMG Guidelines, 2015. Collection method: clinical testing. Allele origin: germline.
Comment: This missense variant replaces glycine with aspartic acid at codon 733 of the COL3A1 protein. Computational prediction indicates that this variant may have a neutral impact on protein structure and function. Functional studies have shown that this variant changes one of the conserved glycine residues within the Gly-Xaa-Yaa repeats of the triple helix domain (a.a. 168-1196) (PMID: 7695699, 8218237, 19344236). To our knowledge, this variant has not been reported in individuals affected with COL3A1-related disorders in the literature. This variant has not been identified in the general population by the Genome Aggregation Database (gnomAD). The available evidence is insufficient to determine the role of this variant in disease conclusively. Therefore, this variant is classified as a Variant of Uncertain Significance.

Literature cited by the submitters: PubMed 7695699; PubMed 8218237; PubMed 19344236.

NM_000090.4(COL3A1):c.2198G>A (p.Gly733Asp)

Gene: COL3A1 (collagen type III alpha 1 chain; plus strand). Cytogenetic location: 2q32.2.
Variant type: single nucleotide variant.
Coding change: c.2198G>A on transcript NM_000090.4 (MANE Select); coding-DNA position 2198, G replaced by A.
Protein change: p.Gly733Asp; replaces glycine 733 with aspartic acid.
Molecular consequence: missense variant.
Genome position (GRCh38, 1-based): chr2:188,999,546, G>A. VCF-style: chr2-188999546-G-A. GRCh37 (hg19) VCF-style: chr2-189864272-G-A.
Other names: short protein forms G733D.
Identifiers: ClinVar variation 4758360 (VCV004758360.1).